The following is an entry in ClinVar:

ClinVar aggregate classification (germline): Uncertain significance (1 of 4 stars; one submission).

Allele frequency attached by ClinVar (database versions not stated): gnomAD exomes below 0.00001.
gnomAD v4.1: 2 of 1,614,086 alleles (0.00012%); highest among the groups gnomAD compares: East Asian, 0.0045%; no homozygotes.

Submission:

Ambry Genetics
Classification: Uncertain significance. Last evaluated: 2022-11-15. Review status: criteria provided, single submitter. Criteria: Ambry Variant Classification Scheme 2023. Collection method: clinical testing. Allele origin: germline.
Comment: The p.D394E variant (also known as c.1182C>A), located in coding exon 13 of the NPAT gene, results from a C to A substitution at nucleotide position 1182. The aspartic acid at codon 394 is replaced by glutamic acid, an amino acid with highly similar properties. This amino acid position is conserved. In addition, this alteration is predicted to be tolerated by in silico analysis. Since supporting evidence is limited at this time, the clinical significance of this alteration remains unclear.

NM_002519.3(NPAT):c.1182C>A (p.Asp394Glu)

Gene: NPAT (nuclear protein, coactivator of histone transcription; minus strand). Cytogenetic location: 11q22.3.
Variant type: single nucleotide variant.
Coding change: c.1182C>A on transcript NM_002519.3 (MANE Select); coding-DNA position 1182, C replaced by A.
Protein change: p.Asp394Glu; replaces aspartic acid 394 with glutamic acid.
Molecular consequence: missense variant.
Genome position (GRCh38, 1-based): chr11:108,173,802, G>T on the plus strand (C>A on the coding strand, the complement: NPAT is on the minus strand). VCF-style: chr11-108173802-G-T. GRCh37 (hg19) VCF-style: chr11-108044529-G-T.
Other names: c.1182C>A, p.Asp394Glu (NM_001321307.1); short protein forms D394E.
Identifiers: ClinVar variation 2447459 (VCV002447459.2), dbSNP rs2077979246, ClinGen allele CA382516104.
Genomic context (GRCh38, chr11:108,173,802, plus strand): 5'-TTCCTGGTCTTCTTGTCTAAGCACATCATGGTTGTTGCTATTCTTCAAAGCATTTAATGG[G>T]TCATCATTCTGATAGGATGTACAAAAAGCGGGCTGACCAGACTGACCATCTGCAAAGTAT-3'
Protein context (NP_002510.2, residues 384-404): PAFCTSYQND[Asp394Glu]PLNALKNSNN